The following is an entry in ClinVar:

ClinVar aggregate classification (germline): Uncertain significance (1 of 4 stars; one submission).

Submission:

GeneDx
Classification: Uncertain significance. Last evaluated: 2025-08-07. Review status: criteria provided, single submitter. Criteria: GeneDx Variant Classification Process June 2021. Collection method: clinical testing. Allele origin: germline. Affected: yes.
Comment: Not observed at significant frequency in large population cohorts (gnomAD); In silico analysis suggests that this missense variant does not alter protein structure/function; Has not been previously published as pathogenic or benign to our knowledge

NM_001371928.1(AHDC1):c.1423G>C (p.Val475Leu)

Gene: AHDC1 (AT-hook DNA binding motif containing 1; minus strand). Cytogenetic location: 1p36.11.
Variant type: single nucleotide variant.
Coding change: c.1423G>C on transcript NM_001371928.1 (MANE Select); coding-DNA position 1423, G replaced by C.
Protein change: p.Val475Leu; replaces valine 475 with leucine.
Molecular consequence: missense variant.
Genome position (GRCh38, 1-based): chr1:27,550,693, C>G on the plus strand (G>C on the coding strand, the complement: AHDC1 is on the minus strand). VCF-style: chr1-27550693-C-G. GRCh37 (hg19) VCF-style: chr1-27877204-C-G.
Other names: c.1423G>C, p.Val475Leu (NM_001029882.3); short protein forms V475L.
Identifiers: ClinVar variation 4755676 (VCV004755676.1).
Genomic context (GRCh38, chr1:27,550,693, plus strand): 5'-CTTTGTATGTGGTCTTGTTCCGCCGCCCCAGCGATACGGGGATCTTGGCCATCTTCACCA[C>G]CATGCGCCGCACGCCCCGGCACTTGCCTTTGCGGGTAGAGACCACTGGGGTCTGGGAAGA-3'
Protein context (NP_001358857.1, residues 465-485): KGKCRGVRRM[Val475Leu]VKMAKIPVSL